The following is an entry in ClinVar:

NM_177438.3(DICER1):c.2707T>A (p.Ser903Thr)

Gene: DICER1 (dicer 1, ribonuclease III; minus strand). Cytogenetic location: 14q32.13.
Variant type: single nucleotide variant.
Coding change: c.2707T>A on transcript NM_177438.3 (MANE Select); coding-DNA position 2707, T replaced by A.
Protein change: p.Ser903Thr; replaces serine 903 with threonine.
Molecular consequence: missense variant.
Genome position (GRCh38, 1-based): chr14:95,107,705, A>T on the plus strand (T>A on the coding strand, the complement: DICER1 is on the minus strand). VCF-style: chr14-95107705-A-T. GRCh37 (hg19) VCF-style: chr14-95574042-A-T.
Other names: c.2707T>A, p.Ser903Thr (NM_001195573.1, NM_001271282.3, NM_001291628.2 and 1 more transcripts); short protein forms S903T.
Identifiers: ClinVar variation 821641 (VCV000821641.4), dbSNP rs1595379213, ClinGen allele CA390879614.

ClinVar aggregate classification (germline): Uncertain significance (1 of 4 stars; one submission).

Conditions:
Hereditary cancer-predisposing syndrome. Also called: Tumor predisposition; Hereditary Cancer Syndrome; Neoplastic Syndromes, Hereditary; Hereditary neoplastic syndrome. Identifiers: Orphanet 140162, MedGen C0027672, MeSH D009386, MONDO:0015356.

Submission:

Ambry Genetics
Classification: Uncertain significance for Hereditary cancer-predisposing syndrome. Last evaluated: 2018-12-27. Review status: criteria provided, single submitter. Criteria: Ambry Variant Classification Scheme 2023. Collection method: clinical testing. Allele origin: germline.
Comment: The p.S903T variant (also known as c.2707T>A), located in coding exon 16 of the DICER1 gene, results from a T to A substitution at nucleotide position 2707. The serine at codon 903 is replaced by threonine, an amino acid with similar properties. This amino acid position is highly conserved in available vertebrate species. In addition, this alteration is predicted to be tolerated by in silico analysis. Since supporting evidence is limited at this time, the clinical significance of this alteration remains unclear.